The following is an entry in ClinVar:

NM_001372.4(DNAH9):c.8678T>C (p.Leu2893Pro)

Gene: DNAH9 (dynein axonemal heavy chain 9; plus strand). Cytogenetic location: 17p12.
Variant type: single nucleotide variant.
Coding change: c.8678T>C on transcript NM_001372.4 (MANE Select); coding-DNA position 8678, T replaced by C.
Protein change: p.Leu2893Pro; replaces leucine 2893 with proline.
Molecular consequence: missense variant.
Genome position (GRCh38, 1-based): chr17:11,810,340, T>C. VCF-style: chr17-11810340-T-C. GRCh37 (hg19) VCF-style: chr17-11713657-T-C.
Other names: short protein forms L2893P.
Identifiers: ClinVar variation 3347963 (VCV003347963.1).
Genomic context (GRCh38, chr17:11,810,340, plus strand): 5'-TGAAGAATCTCAACACAGTGTTTCTCATGACTGATGCCCAAGTGGCTGATGAGAGGTTCC[T>C]TGTGCTCATCAATGATCTTTTGGCATCTGGTAAGAGATTCCTTGCACTTGGTGTCACTGA-3'
Protein context (NP_001363.2, residues 2883-2903): TDAQVADERF[Leu2893Pro]VLINDLLASG

ClinVar aggregate classification (germline): Uncertain significance (0 of 4 stars; one submission).

Conditions:
DNAH9-related disorder. Also called: DNAH9-related condition.

Submission:

PreventionGenetics, part of Exact Sciences
Classification: Uncertain significance for DNAH9-related condition. Last evaluated: 2024-07-08. Review status: no assertion criteria provided. Collection method: clinical testing. Allele origin: germline.
Comment: The DNAH9 c.8678T>C variant is predicted to result in the amino acid substitution p.Leu2893Pro. To our knowledge, this variant has not been reported in the literature or in a large population database, indicating this variant is rare. At this time, the clinical significance of this variant is uncertain due to the absence of conclusive functional and genetic evidence.